The following is an entry in ClinVar:

NM_001283009.2(RTEL1):c.2535G>A (p.Ala845=)

Genes: RTEL1 (regulator of telomere elongation helicase 1; plus strand), RTEL1-TNFRSF6B (RTEL1-TNFRSF6B readthrough (NMD candidate); plus strand). Cytogenetic location: 20q13.33.
Variant type: single nucleotide variant.
Coding change: c.2535G>A on transcript NM_001283009.2 (MANE Select); coding-DNA position 2535, G replaced by A.
Protein change: p.Ala845=; no amino-acid change (alanine 845 retained).
Molecular consequence: synonymous variant. On other transcripts: non-coding transcript variant (1).
Genome position (GRCh38, 1-based): chr20:63,690,926, G>A. VCF-style: chr20-63690926-G-A. GRCh37 (hg19) VCF-style: chr20-62322279-G-A.
Other names: p.Ala869=; c.1866G>A, p.Ala622= (NM_001283010.1); c.2535G>A, p.Ala845= (NM_016434.4); c.2607G>A, p.Ala869= (NM_032957.5).
Identifiers: ClinVar variation 762883 (VCV000762883.13), dbSNP rs751482700, ClinGen allele CA9965386.

ClinVar aggregate classification (germline): Likely benign. Review status: criteria provided, multiple submitters, no conflicts (2 of 4 stars). 3 submissions from 3 submitters: Likely benign (3). Last evaluated 2025-11-07.

Conditions:
Pulmonary fibrosis and/or bone marrow failure, Telomere-related, 3. Also called: PULMONARY FIBROSIS AND/OR BONE MARROW FAILURE SYNDROME, TELOMERE-RELATED, 3. Identifiers: Orphanet 2032, MedGen C4225346, MONDO:0014613, OMIM 616373.
Dyskeratosis congenita, autosomal recessive 5 (DKCB5). Identifiers: MedGen C3554656, MONDO:0014076, OMIM 615190.
Inborn genetic diseases. Identifiers: MedGen C0950123, MeSH D030342.

Allele frequency attached by ClinVar (database versions not stated): ExAC below 0.00001; gnomAD exomes 0.00001; TOPMed 0.00001; gnomAD 0.00006.
gnomAD v4.1: 19 of 1,555,458 alleles (0.0012%); highest among the groups gnomAD compares: African/African-American, 0.0027%; no homozygotes.

Submissions (3):

Mayo Clinic Laboratories, Mayo Clinic
Classification: Likely benign. Last evaluated: 2025-11-07. Review status: criteria provided, single submitter. Criteria: ACMG Guidelines, 2015. Collection method: clinical testing. Allele origin: germline. Observed: 1 variant allele.
Comment: BP4, BP7

Labcorp Genetics (formerly Invitae), Labcorp
Classification: Likely benign for Dyskeratosis congenita, autosomal recessive 5; Pulmonary fibrosis and/or bone marrow failure, Telomere-related, 3. Last evaluated: 2025-11-03. Review status: criteria provided, single submitter. Criteria: Invitae Variant Classification Sherloc (09022015). Collection method: clinical testing. Allele origin: germline.

Ambry Genetics
Classification: Likely benign for Inborn genetic diseases. Last evaluated: 2024-11-28. Review status: criteria provided, single submitter. Criteria: Ambry Variant Classification Scheme 2023. Collection method: clinical testing. Allele origin: germline.